The following is an entry in ClinVar:

ClinVar aggregate classification (germline): Uncertain significance (1 of 4 stars; one submission).

Allele frequency attached by ClinVar (database versions not stated): ExAC 0.00001; TOPMed 0.00001.
gnomAD v4.1: 11 of 1,614,102 alleles (0.00068%); highest among the groups gnomAD compares: African/African-American, 0.0013%; no homozygotes.

Submission:

Labcorp Genetics (formerly Invitae), Labcorp
Classification: Uncertain significance. Last evaluated: 2025-02-18. Review status: criteria provided, single submitter. Criteria: Invitae Variant Classification Sherloc (09022015). Collection method: clinical testing. Allele origin: germline.
Comment: This sequence change replaces arginine, which is basic and polar, with glutamine, which is neutral and polar, at codon 953 of the MICAL1 protein (p.Arg953Gln). This variant is present in population databases (rs752849655, gnomAD 0.004%). This variant has not been reported in the literature in individuals affected with MICAL1-related conditions. ClinVar contains an entry for this variant (Variation ID: 1918554). An algorithm developed to predict the effect of missense changes on protein structure and function (PolyPhen-2) suggests that this variant is likely to be disruptive. In summary, the available evidence is currently insufficient to determine the role of this variant in disease. Therefore, it has been classified as a Variant of Uncertain Significance.

NM_022765.4(MICAL1):c.2801G>A (p.Arg934Gln)

Gene: MICAL1 (microtubule associated monooxygenase, calponin and LIM domain containing 1; minus strand). Cytogenetic location: 6q21.
Variant type: single nucleotide variant.
Coding change: c.2801G>A on transcript NM_022765.4 (MANE Select); coding-DNA position 2801, G replaced by A.
Protein change: p.Arg934Gln; replaces arginine 934 with glutamine.
Molecular consequence: missense variant.
Genome position (GRCh38, 1-based): chr6:109,445,277, C>T on the plus strand (G>A on the coding strand, the complement: MICAL1 is on the minus strand). VCF-style: chr6-109445277-C-T. GRCh37 (hg19) VCF-style: chr6-109766480-C-T.
Other names: c.2543G>A, p.Arg848Gln (NM_001159291.2); c.2858G>A, p.Arg953Gln (NM_001286613.2); short protein forms R934Q, R848Q, R953Q.
Identifiers: ClinVar variation 1918554 (VCV001918554.5), dbSNP rs752849655, ClinGen allele CA3952740.
Genomic context (GRCh38, chr6:109,445,277, plus strand): 5'-AGCTCCAGCTTCACGCCCTCGGCCTCTAGCTCCCTCAAGGCAGCCTCAATCTCATTTAGT[C>T]GCCGTTGGATGGTCTGAGGGGTACAAGACAGAATATCCAGGAGTCTCTAGGTTGCTCAAG-3'
Protein context (NP_073602.3, residues 924-944): RFCKAQTIQR[Arg934Gln]LNEIEAALRE